The following is an entry in ClinVar:

ClinVar aggregate classification (germline): Pathogenic (1 of 4 stars; one submission).

Submission:

Labcorp Genetics (formerly Invitae), Labcorp
Classification: Pathogenic. Last evaluated: 2022-03-10. Review status: criteria provided, single submitter. Criteria: Invitae Variant Classification Sherloc (09022015). Collection method: clinical testing. Allele origin: germline.
Comment: This variant has not been reported in the literature in individuals affected with TMC1-related conditions. For these reasons, this variant has been classified as Pathogenic. This variant is not present in population databases (gnomAD no frequency). This sequence change creates a premature translational stop signal (p.Asn671Lysfs*2) in the TMC1 gene. It is expected to result in an absent or disrupted protein product. Loss-of-function variants in TMC1 are known to be pathogenic (PMID: 11850618, 22105175).

Literature cited by the submitters: PubMed 11850618; PubMed 22105175.

NM_138691.3(TMC1):c.2012dup (p.Asn671fs)

Gene: TMC1 (transmembrane channel like 1; plus strand). Cytogenetic location: 9q21.13.
Variant type: Duplication.
Coding change: c.2012dup on transcript NM_138691.3 (MANE Select); coding-DNA position 2012, one base duplicated (A; older notation c.2012dupA).
Protein change: p.Asn671fs; shifts the reading frame from asparagine 671.
Molecular consequence: frameshift variant.
Genome position (GRCh38, 1-based): chr9:72,826,877, A duplicated; the last of 5 consecutive A bases (chr9:72,826,873-72,826,877); duplicating any one gives the same sequence. VCF-style (leftmost placement, unchanged base first): chr9-72826872-C-CA. GRCh37 (hg19) VCF-style: chr9-75441788-C-CA.
Other names: short protein forms N671fs.
Identifiers: ClinVar variation 1452909 (VCV001452909.6), dbSNP rs2118318502, ClinGen allele CA2573144684.